The following is an entry in ClinVar:

ClinVar aggregate classification (germline): Uncertain significance. Review status: criteria provided, single submitter (1 of 4 stars). 2 submissions from 1 submitter: Uncertain significance (1). 1 of the submissions does not count toward it. Last evaluated 2022-11-01.

Conditions:
Bardet-Biedl syndrome (BBS). Identifiers: Orphanet 110, MedGen C0752166, MONDO:0015229.

Submissions (2):

Labcorp Genetics (formerly Invitae), Labcorp
Classification: Uncertain significance. Last evaluated: 2022-11-01. Review status: criteria provided, single submitter. Criteria: Invitae Variant Classification Sherloc (09022015). Collection method: clinical testing. Allele origin: germline.
Comment: This variant results in a copy number gain of the genomic region encompassing exon(s) 1-5 of the RP9 gene. This region includes the initiator codon of the gene. This copy number gain extends beyond the assayed region for this gene and therefore may encompass additional genes. As the precise location of this event is unknown, it may be in tandem or it may be located elsewhere in the genome. This variant has not been reported in the literature in individuals affected with RP9-related conditions. In summary, the available evidence is currently insufficient to determine the role of this variant in disease. Therefore, it has been classified as a Variant of Uncertain Significance.

Labcorp Genetics (formerly Invitae), Labcorp
Classification: Uncertain significance for Bardet-Biedl syndrome. Last evaluated: 2022-11-01. Review status: flagged submission. Criteria: Invitae Variant Classification Sherloc (09022015). Collection method: clinical testing. Allele origin: germline. Not counted in ClinVar's aggregate classification.
Comment: This variant results in a copy number gain of the genomic region encompassing exon(s) 1-2 of the BBS9 gene. This region includes the initiator codon of the gene. This copy number gain extends beyond the assayed region for this gene and therefore may encompass additional genes. As the precise location of this event is unknown, it may be in tandem or it may be located elsewhere in the genome. This variant has not been reported in the literature in individuals affected with BBS9-related conditions. In summary, the available evidence is currently insufficient to determine the role of this variant in disease. Therefore, it has been classified as a Variant of Uncertain Significance.
ClinVar note: Reason: This record appears to be redundant with a more recent record from the same submitter.
ClinVar note: Notes: SCV001516937 appears to be redundant with SCV002207671.

NC_000007.13:g.(?_33136085)_(33185996_?)dup

Genes: BBS9 (Bardet-Biedl syndrome 9; plus strand), RP9 (RP9 pre-mRNA splicing factor; minus strand). Cytogenetic location: 7p14.3.
Variant type: Duplication.
Identifiers: ClinVar variation 1025598 (VCV001025598.6).